The following is an entry in ClinVar:

ClinVar aggregate classification (germline): Uncertain significance (1 of 4 stars; one submission).

Conditions:
Hereditary cancer-predisposing syndrome. Also called: Neoplastic Syndromes, Hereditary; Tumor predisposition; Hereditary Cancer Syndrome; Hereditary neoplastic syndrome. Identifiers: Orphanet 140162, MedGen C0027672, MeSH D009386, MONDO:0015356.

Submission:

Ambry Genetics
Classification: Uncertain significance for Hereditary cancer-predisposing syndrome. Last evaluated: 2021-04-16. Review status: criteria provided, single submitter. Criteria: Ambry Variant Classification Scheme 2023. Collection method: clinical testing. Allele origin: germline.
Comment: The p.S256R variant (also known as c.768C>A), located in coding exon 4 of the PALB2 gene, results from a C to A substitution at nucleotide position 768. The serine at codon 256 is replaced by arginine, an amino acid with dissimilar properties. This amino acid position is not well conserved in available vertebrate species. In addition, this alteration is predicted to be tolerated by in silico analysis. Since supporting evidence is limited at this time, the clinical significance of this alteration remains unclear.

NM_024675.4(PALB2):c.768C>A (p.Ser256Arg)

Gene: PALB2 (partner and localizer of BRCA2; minus strand). Cytogenetic location: 16p12.2.
Variant type: single nucleotide variant.
Coding change: c.768C>A on transcript NM_024675.4 (MANE Select); coding-DNA position 768, C replaced by A.
Protein change: p.Ser256Arg; replaces serine 256 with arginine.
Molecular consequence: missense variant.
Genome position (GRCh38, 1-based): chr16:23,635,778, G>T on the plus strand (C>A on the coding strand, the complement: PALB2 is on the minus strand). VCF-style: chr16-23635778-G-T. GRCh37 (hg19) VCF-style: chr16-23647099-G-T.
Other names: c.708C>A, p.Ser236Arg (NM_001407296.1); c.768C>A, p.Ser256Arg (NM_001407297.1, NM_001407298.1, NM_001407299.1 and 3 more transcripts); c.-118C>A (NM_001407304.1, NM_001407305.1, NM_001407306.1 and 5 more transcripts); short protein forms S256R, S236R.
Identifiers: ClinVar variation 1760138 (VCV001760138.2), dbSNP rs45487491, ClinGen allele CA395136122.